The following is an entry in ClinVar:

ClinVar aggregate classification (germline): Uncertain significance (1 of 4 stars; one submission).

Conditions:
Hereditary cancer-predisposing syndrome. Also called: Tumor predisposition; Hereditary Cancer Syndrome; Hereditary neoplastic syndrome; Neoplastic Syndromes, Hereditary. Identifiers: Orphanet 140162, MedGen C0027672, MeSH D009386, MONDO:0015356.

Submission:

Ambry Genetics
Classification: Uncertain significance for Hereditary cancer-predisposing syndrome. Last evaluated: 2025-10-05. Review status: criteria provided, single submitter. Criteria: Ambry Variant Classification Scheme 2023. Collection method: clinical testing. Allele origin: germline.
Comment: The p.E1035A variant (also known as c.3104A>C), located in coding exon 19 of the RET gene, results from an A to C substitution at nucleotide position 3104. The glutamic acid at codon 1035 is replaced by alanine, an amino acid with dissimilar properties. This amino acid position is conserved. In addition, the in silico prediction for this alteration is inconclusive. Based on the available evidence, the clinical significance of this variant remains unclear.

NM_020975.6(RET):c.3104A>C (p.Glu1035Ala)

Gene: RET (ret proto-oncogene; plus strand). Cytogenetic location: 10q11.21.
Variant type: single nucleotide variant.
Coding change: c.3104A>C on transcript NM_020975.6 (MANE Select); coding-DNA position 3104, A replaced by C.
Protein change: p.Glu1035Ala; replaces glutamic acid 1035 with alanine.
Molecular consequence: missense variant.
Genome position (GRCh38, 1-based): chr10:43,126,639, A>C. VCF-style: chr10-43126639-A-C. GRCh37 (hg19) VCF-style: chr10-43622087-A-C.
Other names: c.2342A>C, p.Glu781Ala (NM_001355216.2); c.3104A>C, p.Glu1035Ala (NM_001406743.1, NM_001406744.1, NM_001406759.1 and 2 more transcripts); c.2975A>C, p.Glu992Ala (NM_001406761.1, NM_001406762.1, NM_001406764.1); c.2969A>C, p.Glu990Ala (NM_001406763.1, NM_001406765.1); c.2816A>C, p.Glu939Ala (NM_001406766.1, NM_001406767.1, NM_001406770.1); c.2840A>C, p.Glu947Ala (NM_001406768.1); c.2708A>C, p.Glu903Ala (NM_001406769.1, NM_001406772.1); c.2666A>C, p.Glu889Ala (NM_001406771.1, NM_001406773.1); and 10 more; short protein forms E600A, E693A, E793A, E903A, E705A, E860A, E889A, E939A.
Identifiers: ClinVar variation 4545072 (VCV004545072.1).